The following is an entry in ClinVar:

ClinVar aggregate classification (germline): Likely pathogenic (1 of 4 stars; one submission).

Conditions:
Autosomal recessive limb-girdle muscular dystrophy type 2J (LGMDR10). Also called: Limb-girdle muscular dystrophy, type 2J; MUSCULAR DYSTROPHY, LIMB-GIRDLE, AUTOSOMAL RECESSIVE 10. Identifiers: Orphanet 140922, MedGen C1837342, MONDO:0012127, OMIM 608807.
Dilated cardiomyopathy 1G (CMD1G). Identifiers: Orphanet 154, MedGen C1858763, MONDO:0011400, OMIM 604145.

Submission:

Labcorp Genetics (formerly Invitae), Labcorp
Classification: Likely pathogenic for Dilated cardiomyopathy 1G; Autosomal recessive limb-girdle muscular dystrophy type 2J. Last evaluated: 2025-04-23. Review status: criteria provided, single submitter. Criteria: Invitae Variant Classification Sherloc (09022015). Collection method: clinical testing. Allele origin: germline.
Comment: This sequence change affects an acceptor splice site in intron 336 of the TTN gene. It is expected to disrupt RNA splicing and likely results in a truncated or disrupted TTN protein. This variant is not present in population databases (gnomAD no frequency). This variant has not been reported in the literature in individuals affected with TTN-related conditions. Algorithms developed to predict the effect of sequence changes on RNA splicing suggest that this variant may disrupt the consensus splice site. This variant is located in the A band of TTN (PMID: 25589632). Truncating variants in this region are significantly overrepresented in patients affected with dilated cardiomyopathy (PMID: 25589632). Truncating variants in this region have also been reported in individuals affected with autosomal recessive centronuclear myopathy (PMID: 23975875). In summary, the currently available evidence indicates that the variant is pathogenic, but additional data are needed to prove that conclusively. Therefore, this variant has been classified as Likely Pathogenic.

Literature cited by the submitters: PubMed 25589632; PubMed 23975875.

NM_001267550.2(TTN):c.91565-1G>T

Genes: TTN (titin; minus strand), TTN-AS1 (TTN antisense RNA 1; plus strand). Cytogenetic location: 2q31.2.
Variant type: single nucleotide variant.
Coding change: c.91565-1G>T on transcript NM_001267550.2 (MANE Select); the canonical splice acceptor site of the intron before coding-DNA position 91565, G replaced by T.
Molecular consequence: splice acceptor variant.
Genome position (GRCh38, 1-based): chr2:178,550,274, C>A on the plus strand (G>T on the coding strand, the complement: TTN is on the minus strand). VCF-style: chr2-178550274-C-A. GRCh37 (hg19) VCF-style: chr2-179415001-C-A.
Other names: c.64370-1G>T (NM_003319.4); c.64946-1G>T (NM_133437.4); c.64745-1G>T (NM_133432.3); c.83861-1G>T (NM_133378.4); c.86642-1G>T (NM_001256850.1).
Identifiers: ClinVar variation 4784811 (VCV004784811.1).
Genomic context (GRCh38, chr2:178,550,274, plus strand): 5'-CTCCGGACTTAATAATGAGACCATCAAAGTATTCAGGGCCAAACTCTACTATTGGTGGAA[C>A]TATAAAAGAAAGAGAAATACTATGTATTAGTTTGGCTTAATAAAGACATACATAAATATA-3'